The following is an entry in ClinVar:

ClinVar aggregate classification (germline): Uncertain significance (1 of 4 stars; one submission).

Submission:

Labcorp Genetics (formerly Invitae), Labcorp
Classification: Uncertain significance. Last evaluated: 2025-12-08. Review status: criteria provided, single submitter. Criteria: Invitae Variant Classification Sherloc (09022015). Collection method: clinical testing. Allele origin: germline.
Comment: This sequence change replaces glutamic acid, which is acidic and polar, with lysine, which is basic and polar, at codon 812 of the NLRP1 protein (p.Glu812Lys). This variant is not present in population databases (gnomAD no frequency). This variant has not been reported in the literature in individuals affected with NLRP1-related conditions. ClinVar contains an entry for this variant (Variation ID: 2761623). An algorithm developed to predict the effect of missense changes on protein structure and function (PolyPhen-2) suggests that this variant is likely to be disruptive. In summary, the available evidence is currently insufficient to determine the role of this variant in disease. Therefore, it has been classified as a Variant of Uncertain Significance.

NM_033004.4(NLRP1):c.2434G>A (p.Glu812Lys)

Gene: NLRP1 (NLR family pyrin domain containing 1; minus strand). Cytogenetic location: 17p13.2.
Variant type: single nucleotide variant.
Coding change: c.2434G>A on transcript NM_033004.4 (MANE Select); coding-DNA position 2434, G replaced by A.
Protein change: p.Glu812Lys; replaces glutamic acid 812 with lysine.
Molecular consequence: missense variant.
Genome position (GRCh38, 1-based): chr17:5,553,480, C>T on the plus strand (G>A on the coding strand, the complement: NLRP1 is on the minus strand). VCF-style: chr17-5553480-C-T. GRCh37 (hg19) VCF-style: chr17-5456800-C-T.
Other names: c.2434G>A, p.Glu812Lys (NM_001033053.3, NM_014922.5, NM_033006.4 and 1 more transcripts); short protein forms E812K.
Identifiers: ClinVar variation 2761623 (VCV002761623.3), dbSNP rs2507915555, ClinGen allele CA397381574.